The following is an entry in ClinVar:

ClinVar aggregate classification (germline): not provided (0 of 4 stars; one submission).

Conditions:
Migraine, familial hemiplegic, 1. Also called: MIGRAINE, FAMILIAL HEMIPLEGIC 1, WITH PROGRESSIVE CEREBELLAR ATAXIA. Identifiers: Orphanet 569, MedGen C1832884, MONDO:0020756, OMIM 141500, MONDO:0007714.

Submission:

UniProtKB/Swiss-Prot
No classification provided. Condition: Familial hemiplegic migraine type 1. Review status: no classification provided. Collection method: not provided. Allele origin: not provided.
Comment: Variant designated as K1336E in source PubMed 11439943

NM_001127222.2(CACNA1A):c.4000A>G (p.Lys1334Glu)

Gene: CACNA1A (calcium voltage-gated channel subunit alpha1 A; minus strand). Cytogenetic location: 19p13.13.
Variant type: single nucleotide variant.
Coding change: c.4000A>G on transcript NM_001127222.2 (MANE Select); coding-DNA position 4000, A replaced by G.
Protein change: p.Lys1334Glu; replaces lysine 1334 with glutamic acid.
Molecular consequence: missense variant.
Genome position (GRCh38, 1-based): chr19:13,262,823, T>C on the plus strand (A>G on the coding strand, the complement: CACNA1A is on the minus strand). VCF-style: chr19-13262823-T-C. GRCh37 (hg19) VCF-style: chr19-13373637-T-C.
Other names: K1336E; c.4012A>G, p.Lys1338Glu (NM_000068.4, NM_023035.3); c.4003A>G, p.Lys1335Glu (NM_001127221.2, NM_001174080.2); short protein forms K1335E, K1334E, K1338E.
Identifiers: ClinVar variation 68429 (VCV000068429.1), dbSNP rs121908223, ClinGen allele CA266044.
Genomic context (GRCh38, chr19:13,262,823, plus strand): 5'-TAAGAGGTCGTAGCACCCGGAGGACTCGGAGGGATTTAATCGTGTTGATGTCTTTTCCTT[T>C]GCTATTGCCACTGTGGAGGAATGTTTAGGTGGGAAGAAGGGAAGAGAGGAAGCAGAGGTC-3'
Protein context (NP_001120694.1, residues 1324-1344): LVAFAFTGNS[Lys1334Glu]GKDINTIKSL